The following is an entry in ClinVar:

NM_000093.5(COL5A1):c.3385G>A (p.Gly1129Ser)

Gene: COL5A1 (collagen type V alpha 1 chain; plus strand). Cytogenetic location: 9q34.3.
Variant type: single nucleotide variant.
Coding change: c.3385G>A on transcript NM_000093.5 (MANE Select); coding-DNA position 3385, G replaced by A.
Protein change: p.Gly1129Ser; replaces glycine 1129 with serine.
Molecular consequence: missense variant.
Genome position (GRCh38, 1-based): chr9:134,809,201, G>A. VCF-style: chr9-134809201-G-A. GRCh37 (hg19) VCF-style: chr9-137701047-G-A.
Other names: c.3385G>A, p.Gly1129Ser (NM_001278074.1); short protein forms G1129S.
Identifiers: ClinVar variation 2035069 (VCV002035069.4), dbSNP rs2490810414, ClinGen allele CA375452847.

ClinVar aggregate classification (germline): Uncertain significance (1 of 4 stars; one submission).

Conditions:
Ehlers-Danlos syndrome, classic type, 1 (EDSCL1). Also called: EHLERS-DANLOS SYNDROME, GRAVIS TYPE; EHLERS-DANLOS SYNDROME, SEVERE CLASSIC TYPE; Ehlers-Danlos syndrome, type 1; EDS I; Ehlers-Danlos Syndrome, Classic Type, COL5A1-Related. Identifiers: MedGen C0268335, MONDO:0019567, OMIM 130000.

Submission:

Labcorp Genetics (formerly Invitae), Labcorp
Classification: Uncertain significance for Ehlers-Danlos syndrome, classic type, 1. Last evaluated: 2022-10-10. Review status: criteria provided, single submitter. Criteria: Invitae Variant Classification Sherloc (09022015). Collection method: clinical testing. Allele origin: germline.
Comment: This variant disrupts the triple helix domain of COL5A1. Glycine residues within the Gly-Xaa-Yaa repeats of the triple helix domain are required for the structure and stability of fibrillar collagens (PMID: 7695699, 8218237, 19344236), and variants at these glycine residues in COL5A1 are more frequently observed in individuals with disease than in the general population (PMID: 22696272, 23587214). However, the clinical significance of this observation remains uncertain since only a limited number of affected individuals have been described to date. In summary, the available evidence is currently insufficient to determine the role of this variant in disease. Therefore, it has been classified as a Variant of Uncertain Significance. Advanced modeling of protein sequence and biophysical properties (such as structural, functional, and spatial information, amino acid conservation, physicochemical variation, residue mobility, and thermodynamic stability) performed at Invitae indicates that this missense variant is expected to disrupt COL5A1 protein function. This variant has not been reported in the literature in individuals affected with COL5A1-related conditions. This variant is not present in population databases (gnomAD no frequency). This sequence change replaces glycine, which is neutral and non-polar, with serine, which is neutral and polar, at codon 1129 of the COL5A1 protein (p.Gly1129Ser).

Literature cited by the submitters: PubMed 7695699; PubMed 8218237; PubMed 19344236; PubMed 22696272; PubMed 23587214.